The following is an entry in ClinVar:

ClinVar aggregate classification (germline): Uncertain significance. Review status: criteria provided, multiple submitters, no conflicts (2 of 4 stars). 2 submissions from 2 submitters: Uncertain significance (2). Last evaluated 2025-06-18.

Conditions:
Inborn genetic diseases. Identifiers: MedGen C0950123, MeSH D030342.

Submissions (2):

Ambry Genetics
Classification: Uncertain significance for Inborn genetic diseases. Last evaluated: 2025-06-18. Review status: criteria provided, single submitter. Criteria: Ambry Variant Classification Scheme 2023. Collection method: clinical testing. Allele origin: germline.

Labcorp Genetics (formerly Invitae), Labcorp
Classification: Uncertain significance. Last evaluated: 2022-07-30. Review status: criteria provided, single submitter. Criteria: Invitae Variant Classification Sherloc (09022015). Collection method: clinical testing. Allele origin: germline.
Comment: This sequence change replaces glutamic acid, which is acidic and polar, with aspartic acid, which is acidic and polar, at codon 138 of the ELOVL4 protein (p.Glu138Asp). This variant is not present in population databases (gnomAD no frequency). This variant has not been reported in the literature in individuals affected with ELOVL4-related conditions. Algorithms developed to predict the effect of missense changes on protein structure and function (SIFT, PolyPhen-2, Align-GVGD) all suggest that this variant is likely to be disruptive. In summary, the available evidence is currently insufficient to determine the role of this variant in disease. Therefore, it has been classified as a Variant of Uncertain Significance.

NM_022726.4(ELOVL4):c.414G>T (p.Glu138Asp)

Gene: ELOVL4 (ELOVL fatty acid elongase 4; minus strand). Cytogenetic location: 6q14.1.
Variant type: single nucleotide variant.
Coding change: c.414G>T on transcript NM_022726.4 (MANE Select); coding-DNA position 414, G replaced by T.
Protein change: p.Glu138Asp; replaces glutamic acid 138 with aspartic acid.
Molecular consequence: missense variant.
Genome position (GRCh38, 1-based): chr6:79,921,752, C>A on the plus strand (G>T on the coding strand, the complement: ELOVL4 is on the minus strand). VCF-style: chr6-79921752-C-A. GRCh37 (hg19) VCF-style: chr6-80631469-C-A.
Other names: c.414G>T (NM_022726.3); short protein forms E138D.
Identifiers: ClinVar variation 2106930 (VCV002106930.5), dbSNP rs2532974819, ClinGen allele CA364656721.